The following is an entry in ClinVar:

ClinVar aggregate classification (germline): Benign/Likely benign. Review status: criteria provided, multiple submitters, no conflicts (2 of 4 stars). 6 submissions from 6 submitters: Benign (2); Likely benign (4). Last evaluated 2025-08-04.

Conditions:
Tuberous sclerosis 2 (TSC2). Identifiers: Orphanet 805, MedGen C1860707, MONDO:0013199, OMIM 613254.
Hereditary cancer-predisposing syndrome. Also called: Tumor predisposition; Neoplastic Syndromes, Hereditary; Hereditary Cancer Syndrome; Hereditary neoplastic syndrome. Identifiers: Orphanet 140162, MedGen C0027672, MeSH D009386, MONDO:0015356.

Allele frequency attached by ClinVar (database versions not stated): gnomAD exomes below 0.00001; ExAC 0.00001.
gnomAD v4.1: 6 of 1,613,582 alleles (0.00037%); highest among the groups gnomAD compares: South Asian, 0.0011%; no homozygotes.

Submissions (6):

Labcorp Genetics (formerly Invitae), Labcorp
Classification: Likely benign for Tuberous sclerosis 2. Last evaluated: 2025-08-04. Review status: criteria provided, single submitter. Criteria: Invitae Variant Classification Sherloc (09022015). Collection method: clinical testing. Allele origin: germline.

Myriad Genetics, Inc.
Classification: Benign for Tuberous sclerosis 2. Last evaluated: 2025-05-19. Review status: criteria provided, single submitter. Criteria: Myriad Autosomal Dominant, Autosomal Recessive and X-Linked Classification Criteria (2023). Collection method: clinical testing. Allele origin: unknown.
Comment: This variant is considered benign. This variant is a silent/synonymous amino acid change and it is not expected to impact splicing.

ARUP Laboratories, Molecular Genetics and Genomics, ARUP Laboratories
Classification: Likely benign. Last evaluated: 2025-03-04. Review status: criteria provided, single submitter. Criteria: ARUP Molecular Germline Variant Investigation Process 2024. Collection method: clinical testing. Allele origin: germline.

Ambry Genetics
Classification: Likely benign for Hereditary cancer-predisposing syndrome. Last evaluated: 2024-01-21. Review status: criteria provided, single submitter. Criteria: Ambry Variant Classification Scheme 2023. Collection method: clinical testing. Allele origin: germline.

Genome-Nilou Lab
Classification: Benign for Tuberous sclerosis 2. Last evaluated: 2021-11-07. Review status: criteria provided, single submitter. Criteria: ACMG Guidelines, 2015. Collection method: clinical testing. Allele origin: germline. Affected: no.

GeneDx
Classification: Likely benign. Last evaluated: 2020-01-29. Review status: criteria provided, single submitter. Criteria: GeneDx Variant Classification Process June 2021. Collection method: clinical testing. Allele origin: germline. Affected: yes.

NM_000548.5(TSC2):c.2328C>T (p.Tyr776=)

Gene: TSC2 (TSC complex subunit 2; plus strand). Cytogenetic location: 16p13.3.
Variant type: single nucleotide variant.
Coding change: c.2328C>T on transcript NM_000548.5 (MANE Select); coding-DNA position 2328, C replaced by T.
Protein change: p.Tyr776=; no amino-acid change (tyrosine 776 retained).
Molecular consequence: synonymous variant.
Genome position (GRCh38, 1-based): chr16:2,072,956, C>T. VCF-style: chr16-2072956-C-T. GRCh37 (hg19) VCF-style: chr16-2122957-C-T.
Other names: c.2328C>T, p.Tyr776= (NM_001114382.3, NM_001363528.2, NM_001370404.1 and 3 more transcripts); c.2217C>T, p.Tyr739= (NM_001318827.2); c.2181C>T, p.Tyr727= (NM_001318829.2); c.1728C>T, p.Tyr576= (NM_001318831.2); c.2361C>T, p.Tyr787= (NM_001318832.2).
Identifiers: ClinVar variation 1093106 (VCV001093106.16), dbSNP rs45517225, ClinGen allele CA038422.